The following is an entry in ClinVar:

NM_001037.5(SCN1B):c.448+61G>T

Gene: SCN1B (sodium voltage-gated channel beta subunit 1; plus strand). Cytogenetic location: 19q13.11.
Variant type: single nucleotide variant.
Coding change: c.448+61G>T on transcript NM_001037.5 (MANE Select); 61 bases into the intron after coding-DNA position 448, G replaced by T.
Molecular consequence: intron variant. On other transcripts: missense variant (1).
Genome position (GRCh38, 1-based): chr19:35,033,800, G>T. VCF-style: chr19-35033800-G-T. GRCh37 (hg19) VCF-style: chr19-35524704-G-T.
Other names: c.509G>T, p.Arg170Ile (NM_199037.5); c.349+61G>T (NM_001321605.2); short protein forms R170I.
Identifiers: ClinVar variation 470179 (VCV000470179.8), dbSNP rs1555720788, ClinGen allele CA405329198.

ClinVar aggregate classification (germline): Uncertain significance (1 of 4 stars; one submission).

Conditions:
Brugada syndrome 5 (BRGDA5). Identifiers: Orphanet 130, Orphanet 871, MedGen C2748541, MONDO:0013015, OMIM 612838.

Allele frequency attached by ClinVar (database versions not stated): TOPMed below 0.00001; gnomAD exomes 0.00002.
gnomAD v4.1: 16 of 1,613,540 alleles (0.00099%); highest among the groups gnomAD compares: Non-Finnish European, 0.0014%; no homozygotes.

Submission:

Labcorp Genetics (formerly Invitae), Labcorp
Classification: Uncertain significance for Brugada syndrome 5. Last evaluated: 2025-04-28. Review status: criteria provided, single submitter. Criteria: Invitae Variant Classification Sherloc (09022015). Collection method: clinical testing. Allele origin: germline.
Comment: This sequence change replaces arginine, which is basic and polar, with isoleucine, which is neutral and non-polar, at codon 170 of the SCN1B protein (p.Arg170Ile). This variant is not present in population databases (gnomAD no frequency). This variant has not been reported in the literature in individuals affected with SCN1B-related conditions. ClinVar contains an entry for this variant (Variation ID: 470179). An algorithm developed to predict the effect of missense changes on protein structure and function (PolyPhen-2) suggests that this variant is likely to be disruptive. In summary, the available evidence is currently insufficient to determine the role of this variant in disease. Therefore, it has been classified as a Variant of Uncertain Significance.